The following is an entry in ClinVar:

NM_181458.4(PAX3):c.879G>T (p.Gly293=)

Gene: PAX3 (paired box 3; minus strand). Cytogenetic location: 2q36.1.
Variant type: single nucleotide variant.
Coding change: c.879G>T on transcript NM_181458.4 (MANE Select); coding-DNA position 879, G replaced by T.
Protein change: p.Gly293=; no amino-acid change (glycine 293 retained).
Molecular consequence: synonymous variant.
Genome position (GRCh38, 1-based): chr2:222,221,301, C>A on the plus strand (G>T on the coding strand, the complement: PAX3 is on the minus strand). VCF-style: chr2-222221301-C-A. GRCh37 (hg19) VCF-style: chr2-223086020-C-A.
Other names: c.876G>T, p.Gly292= (NM_001127366.3); c.879G>T, p.Gly293= (NM_181457.4, NM_181459.4, NM_181460.4 and 1 more transcripts).
Identifiers: ClinVar variation 226997 (VCV000226997.21), dbSNP rs45522331, ClinGen allele CA2135558.

ClinVar aggregate classification (germline): Benign/Likely benign. Review status: criteria provided, multiple submitters, no conflicts (2 of 4 stars). 8 submissions from 7 submitters: Benign (4); Likely benign (4). Last evaluated 2026-01-21.

Conditions:
Waardenburg syndrome. Also called: Waardenburg's syndrome. Identifiers: Orphanet 3440, MedGen C3266898, MONDO:0018094.
Craniofacial-deafness-hand syndrome (CDHS). Identifiers: Orphanet 1529, MedGen C1852510, MONDO:0007395, OMIM 122880.

Allele frequency attached by ClinVar (database versions not stated): ExAC 0.00188; 1000 Genomes Project 0.00599; gnomAD 0.00653; 1000 Genomes Project 30x 0.00656; TOPMed 0.00725; ESP Exome Variant Server 0.00761.
gnomAD v4.1: 1,873 of 1,613,790 alleles (0.12%); highest among the groups gnomAD compares: African/African-American, 2.3%; 20 homozygotes.

Submissions (8):

Labcorp Genetics (formerly Invitae), Labcorp
Classification: Benign. Last evaluated: 2026-01-21. Review status: criteria provided, single submitter. Criteria: Invitae Variant Classification Sherloc (09022015). Collection method: clinical testing. Allele origin: germline.

Blueprint Genetics
Classification: Likely benign. Last evaluated: 2024-10-09. Review status: criteria provided, single submitter. Criteria: ACMG Guidelines, 2015. Collection method: clinical testing. Allele origin: germline.

GeneDx
Classification: Benign. Last evaluated: 2018-02-09. Review status: criteria provided, single submitter. Criteria: GeneDx Variant Classification (06012015). Collection method: clinical testing. Allele origin: germline. Affected: yes.
Comment: This variant is considered likely benign or benign based on one or more of the following criteria: it is a conservative change, it occurs at a poorly conserved position in the protein, it is predicted to be benign by multiple in silico algorithms, and/or has population frequency not consistent with disease.

Illumina Laboratory Services, Illumina
Classification: Likely benign for Waardenburg syndrome. Last evaluated: 2017-04-28. Review status: criteria provided, single submitter. Criteria: ICSL Variant Classification Criteria 13 December 2019. Collection method: clinical testing. Allele origin: germline.
Comment: This variant was observed as part of a predisposition screen in an ostensibly healthy population. A literature search was performed for the gene, cDNA change, and amino acid change (where applicable). No publications were found based on this search. Allele frequency data from public databases allowed determination this variant is unlikely to cause disease. Therefore, this variant is classified as likely benign.

Illumina Laboratory Services, Illumina
Classification: Likely benign for Craniofacial-deafness-hand syndrome. Last evaluated: 2017-04-28. Review status: criteria provided, single submitter. Criteria: ICSL Variant Classification Criteria 13 December 2019. Collection method: clinical testing. Allele origin: germline.
Comment: the same text as in the submission from Illumina Laboratory Services, Illumina above.

Laboratory for Molecular Medicine, Mass General Brigham Personalized Medicine
Classification: Benign. Last evaluated: 2015-07-30. Review status: criteria provided, single submitter. Criteria: LMM Criteria. Collection method: clinical testing. Allele origin: germline. Observed: 5 variant alleles.
Comment: p.Gly292Gly in exon 6 of PAX3: This variant is not expected to have clinical sig nificance because it does not alter an amino acid residue, is not located within the splice consensus sequence, and has been identified in in 2.1% (217/10406) o f African chromosomes by the Exome Aggregation Consortium (ExAC; dbSNP rs45522331).

Breakthrough Genomics
Classification: Likely benign. Review status: criteria provided, single submitter. Criteria: ACMG Guidelines, 2015. Collection method: not provided. Allele origin: germline. Inheritance: Autosomal recessive inheritance. Affected: yes.

PreventionGenetics, part of Exact Sciences
Classification: Benign. Review status: criteria provided, single submitter. Criteria: ACMG Guidelines, 2015. Collection method: clinical testing. Allele origin: germline.